The following is an entry in ClinVar:

ClinVar aggregate classification (germline): Conflicting classifications of pathogenicity. Review status: criteria provided, conflicting classifications (1 of 4 stars). 3 submissions from 3 submitters: Uncertain significance (2); Likely benign (1). Last evaluated 2026-01-05.

Conditions:
Hereditary cancer-predisposing syndrome. Also called: Neoplastic Syndromes, Hereditary; Tumor predisposition; Hereditary neoplastic syndrome; Hereditary Cancer Syndrome. Identifiers: Orphanet 140162, MedGen C0027672, MeSH D009386, MONDO:0015356.

Allele frequency attached by ClinVar (database versions not stated): gnomAD 0.00003.
gnomAD v4.1: 20 of 1,612,916 alleles (0.0012%); highest among the groups gnomAD compares: Non-Finnish European, 0.0016%; no homozygotes.

Submissions (3):

Labcorp Genetics (formerly Invitae), Labcorp
Classification: Uncertain significance. Last evaluated: 2026-01-05. Review status: criteria provided, single submitter. Criteria: Invitae Variant Classification Sherloc (09022015). Collection method: clinical testing. Allele origin: germline.
Comment: This sequence change replaces arginine, which is basic and polar, with serine, which is neutral and polar, at codon 154 of the POLE protein (p.Arg154Ser). This variant is present in population databases (rs555774342, gnomAD 0.0008%). This variant has not been reported in the literature in individuals affected with POLE-related conditions. ClinVar contains an entry for this variant (Variation ID: 579109). Invitae Evidence Modeling of protein sequence and biophysical properties (such as structural, functional, and spatial information, amino acid conservation, physicochemical variation, residue mobility, and thermodynamic stability) indicates that this missense variant is not expected to disrupt POLE protein function with a negative predictive value of 80%. In summary, the available evidence is currently insufficient to determine the role of this variant in disease. Therefore, it has been classified as a Variant of Uncertain Significance.

Center for Genomic Medicine, Rigshospitalet, Copenhagen University Hospital
Classification: Uncertain significance. Last evaluated: 2025-12-29. Review status: criteria provided, single submitter. Criteria: ACMG Guidelines, 2015. Collection method: clinical testing. Allele origin: germline.

Ambry Genetics
Classification: Likely benign for Hereditary cancer-predisposing syndrome. Last evaluated: 2024-03-28. Review status: criteria provided, single submitter. Criteria: Ambry Variant Classification Scheme 2023. Collection method: clinical testing. Allele origin: germline.

NM_006231.4(POLE):c.462G>T (p.Arg154Ser)

Gene: POLE (DNA polymerase epsilon, catalytic subunit; minus strand). Cytogenetic location: 12q24.33.
Variant type: single nucleotide variant.
Coding change: c.462G>T on transcript NM_006231.4 (MANE Select); coding-DNA position 462, G replaced by T.
Protein change: p.Arg154Ser; replaces arginine 154 with serine.
Molecular consequence: missense variant.
Genome position (GRCh38, 1-based): chr12:132,679,613, C>A on the plus strand (G>T on the coding strand, the complement: POLE is on the minus strand). VCF-style: chr12-132679613-C-A. GRCh37 (hg19) VCF-style: chr12-133256199-C-A.
Other names: short protein forms R154S.
Identifiers: ClinVar variation 579109 (VCV000579109.13), dbSNP rs555774342, ClinGen allele CA246301963.